The following is an entry in ClinVar:

ClinVar aggregate classification (germline): Likely pathogenic. Review status: criteria provided, multiple submitters, no conflicts (2 of 4 stars). 3 submissions from 3 submitters: Likely pathogenic (3). Last evaluated 2024-10-17.

Conditions:
Polycystic kidney disease 4 (PKD4). Also called: POLYCYSTIC KIDNEY AND HEPATIC DISEASE 1; POLYCYSTIC KIDNEY DISEASE, INFANTILE, TYPE I; PKD3; POLYCYSTIC KIDNEY DISEASE 4 WITH OR WITHOUT POLYCYSTIC LIVER DISEASE; Autosomal Recessive Polycystic Kidney Disease – PKHD1. Identifiers: MedGen C4540575, MONDO:0033004, OMIM 263200.
Autosomal recessive polycystic kidney disease (ARPKD). Also called: AR polycystic kidney disease. Identifiers: Orphanet 731, Orphanet 8378, MedGen C0085548, MeSH D017044, MONDO:0009889.

Allele frequency attached by ClinVar (database versions not stated): gnomAD exomes below 0.00001; gnomAD 0.00001.

Submissions (3):

Natera, Inc.
Classification: Likely pathogenic for Autosomal recessive polycystic kidney disease. Last evaluated: 2024-10-17. Review status: criteria provided, single submitter. Criteria: Natera Variant Classification Schema (03/2026). Collection method: clinical testing. Allele origin: germline.
Comment: The c.2715+1G>A variant in PKHD1 is a canonical splice donor site variant predicted to affect pre-mRNA splicing, which may result in an abnormal transcript and altered protein product. This variant is expected to result in nonsense mediated decay, truncation, or a dysfunctional protein product. This variant is rare in the general population with a frequency below the threshold expected for the associated phenotype(s). Given the available evidence, this variant is classified as Likely Pathogenic.

Fulgent Genetics
Classification: Likely pathogenic for Polycystic kidney disease 4. Last evaluated: 2024-03-05. Review status: criteria provided, single submitter. Criteria: ACMG Guidelines, 2015. Collection method: clinical testing. Allele origin: germline.

Baylor Genetics
Classification: Likely pathogenic for Polycystic kidney disease 4. Last evaluated: 2023-08-26. Review status: criteria provided, single submitter. Criteria: ACMG Guidelines, 2015. Collection method: clinical testing. Allele origin: unknown.

NM_138694.4(PKHD1):c.2715+1G>A

Gene: PKHD1 (PKHD1 ciliary IPT domain containing fibrocystin/polyductin; minus strand). Cytogenetic location: 6p12.2.
Variant type: single nucleotide variant.
Coding change: c.2715+1G>A on transcript NM_138694.4 (MANE Select); the canonical splice donor site of the intron after coding-DNA position 2715, G replaced by A.
Molecular consequence: splice donor variant.
Genome position (GRCh38, 1-based): chr6:52,044,965, C>T on the plus strand (G>A on the coding strand, the complement: PKHD1 is on the minus strand). VCF-style: chr6-52044965-C-T. GRCh37 (hg19) VCF-style: chr6-51909763-C-T.
Other names: c.2715+1G>A (NM_170724.3, NM_138694.3).
Identifiers: ClinVar variation 2677787 (VCV002677787.3), dbSNP rs1554209188, ClinGen allele CA364442741.